The following is an entry in ClinVar:

NM_005045.4(RELN):c.7489G>A (p.Val2497Ile)

Gene: RELN (reelin; minus strand). Cytogenetic location: 7q22.1.
Variant type: single nucleotide variant.
Coding change: c.7489G>A on transcript NM_005045.4 (MANE Select); coding-DNA position 7489, G replaced by A.
Protein change: p.Val2497Ile; replaces valine 2497 with isoleucine.
Molecular consequence: missense variant.
Genome position (GRCh38, 1-based): chr7:103,523,392, C>T on the plus strand (G>A on the coding strand, the complement: RELN is on the minus strand). VCF-style: chr7-103523392-C-T. GRCh37 (hg19) VCF-style: chr7-103163839-C-T.
Other names: c.7489G>A, p.Val2497Ile (NM_173054.3); short protein forms V2497I.
Identifiers: ClinVar variation 969039 (VCV000969039.11), dbSNP rs375694777, ClinGen allele CA4420736.

ClinVar aggregate classification (germline): Uncertain significance. Review status: criteria provided, multiple submitters, no conflicts (2 of 4 stars). 2 submissions from 2 submitters: Uncertain significance (2). Last evaluated 2025-04-22.

Conditions:
Norman-Roberts syndrome (LIS2). Also called: Lissencephaly 2 (Norman-Roberts type). Identifiers: Orphanet 89844, MedGen C0796089, MONDO:0009760, OMIM 257320.
Familial temporal lobe epilepsy 7. Identifiers: Orphanet 101046, MedGen C4225327, MONDO:0014639, OMIM 616436.
Inborn genetic diseases. Identifiers: MedGen C0950123, MeSH D030342.

Allele frequency attached by ClinVar (database versions not stated): ExAC 0.00001; gnomAD 0.00001; gnomAD exomes 0.00001; TOPMed 0.00003; ESP Exome Variant Server 0.00008.
gnomAD v4.1: 60 of 1,613,888 alleles (0.0037%); highest among the groups gnomAD compares: East Asian, 0.0045%; no homozygotes.

Submissions (2):

Labcorp Genetics (formerly Invitae), Labcorp
Classification: Uncertain significance for Familial temporal lobe epilepsy 7; Norman-Roberts syndrome. Last evaluated: 2025-04-22. Review status: criteria provided, single submitter. Criteria: Invitae Variant Classification Sherloc (09022015). Collection method: clinical testing. Allele origin: germline.
Comment: This sequence change replaces valine, which is neutral and non-polar, with isoleucine, which is neutral and non-polar, at codon 2497 of the RELN protein (p.Val2497Ile). This variant is present in population databases (rs375694777, gnomAD 0.003%). This variant has not been reported in the literature in individuals affected with RELN-related conditions. ClinVar contains an entry for this variant (Variation ID: 969039). An algorithm developed to predict the effect of missense changes on protein structure and function outputs the following: PolyPhen-2: "Benign". The isoleucine amino acid residue is found in multiple mammalian species, which suggests that this missense change does not adversely affect protein function. In summary, the available evidence is currently insufficient to determine the role of this variant in disease. Therefore, it has been classified as a Variant of Uncertain Significance.

Ambry Genetics
Classification: Uncertain significance for Inborn genetic diseases. Last evaluated: 2024-03-19. Review status: criteria provided, single submitter. Criteria: Ambry Variant Classification Scheme 2023. Collection method: clinical testing. Allele origin: germline.